The following is an entry in ClinVar:

ClinVar aggregate classification (germline): Pathogenic. Review status: criteria provided, multiple submitters, no conflicts (2 of 4 stars). 2 submissions from 2 submitters: Pathogenic (2). Last evaluated 2024-05-08.

Conditions:
Primary ciliary dyskinesia. Also called: Ciliary dyskinesia. Identifiers: Orphanet 244, MedGen C0008780, MONDO:0016575, HP:0012265.
Primary ciliary dyskinesia 3. Identifiers: Orphanet 244, MedGen C1837618, MONDO:0012085, OMIM 608644.

Submissions (2):

Myriad Genetics, Inc.
Classification: Pathogenic for Primary ciliary dyskinesia 3. Last evaluated: 2024-05-08. Review status: criteria provided, single submitter. Criteria: Myriad Autosomal Dominant, Autosomal Recessive and X-Linked Classification Criteria (2023). Collection method: clinical testing. Allele origin: unknown.
Comment: NM_001369.2(DNAH5):c.6273_6274delGGinsA(E2092Nfs*6) is expected to be pathogenic in the context of primary ciliary dyskinesia, DNAH5-related. This variant is predicted to lead to an abnormal or absent protein product due to the creation of a premature termination codon in DNAH5, a gene where loss-of-function variants are known to be pathogenic. Please note: this variant was assessed in the context of healthy population screening.

Labcorp Genetics (formerly Invitae), Labcorp
Classification: Pathogenic for Primary ciliary dyskinesia. Last evaluated: 2016-12-06. Review status: criteria provided, single submitter. Criteria: Invitae Variant Classification Sherloc (09022015). Collection method: clinical testing. Allele origin: germline.
Comment: This sequence change deletes 2 nucleotides and inserts 1 nucleotide in exon 38 of the DNAH5 mRNA (c.6273_6274delinsA), causing a frameshift at codon 2092. This creates a premature translational stop signal (p.Glu2092Asnfs*6) and is expected to result in an absent or disrupted protein product. While this particular variant has not been reported in the literature, loss-of-function variants in DNAH5 are known to be pathogenic (PMID: 16627867, 11788826). For these reasons, this variant has been classified as Pathogenic.

Literature cited by the submitters: PubMed 16627867 (cited by Labcorp Genetics (formerly Invitae), Labcorp); PubMed 11788826 (cited by Labcorp Genetics (formerly Invitae), Labcorp).

NC_000005.10:g.13829680_13829681delinsT

Gene: DNAH5 (dynein axonemal heavy chain 5; minus strand). Cytogenetic location: 5p15.2.
Variant type: Indel.
Genome position: GRCh38 VCF-style: chr5-13829680-CC-T. GRCh37 (hg19) VCF-style: chr5-13829789-CC-T.
Identifiers: ClinVar variation 407228 (VCV000407228.6), dbSNP rs1060501457, ClinGen allele CA16611872.